The following is an entry in ClinVar:

ClinVar aggregate classification (germline): Conflicting classifications of pathogenicity. Review status: criteria provided, conflicting classifications (1 of 4 stars). 17 submissions from 13 submitters: Uncertain significance (7); Benign (2); Likely benign (8). Last evaluated 2026-04-01.

Conditions:
Cardiovascular phenotype. Identifiers: MedGen CN230736.
TTN-related disorder. Also called: TTN-related disorders; TTN-related condition; TTN-related disease.
Hypertrophic cardiomyopathy 9. Also called: Familial hypertrophic cardiomyopathy 9. Identifiers: MedGen C1861065, MONDO:0013412, OMIM 613765.
Dilated cardiomyopathy 1G (CMD1G). Identifiers: Orphanet 154, MedGen C1858763, MONDO:0011400, OMIM 604145.
Cardiomyopathy (CMYO). Also called: Cardiomyopathies. Identifiers: Orphanet 167848, MedGen C0878544, MONDO:0004994, HP:0001638. Inheritance: Various modes of inheritance.
Autosomal recessive limb-girdle muscular dystrophy type 2J (LGMDR10). Also called: Limb-girdle muscular dystrophy, type 2J; MUSCULAR DYSTROPHY, LIMB-GIRDLE, AUTOSOMAL RECESSIVE 10. Identifiers: Orphanet 140922, MedGen C1837342, MONDO:0012127, OMIM 608807.
Tibial muscular dystrophy (TMD). Also called: UDD MYOPATHY; Tibial muscular dystrophy, tardive; Udd Distal Myopathy – Tibial Muscular Dystrophy. Identifiers: Orphanet 609, MedGen C1838244, MONDO:0010870, OMIM 600334.
Early-onset myopathy with fatal cardiomyopathy (CMYO5). Also called: CONGENITAL MYOPATHY 5 WITH CARDIOMYOPATHY; Salih Myopathy. Identifiers: Orphanet 289377, MedGen C2673677, MONDO:0012714, OMIM 611705. Disease mechanism: loss of function.
Myopathy, myofibrillar, 9, with early respiratory failure (MFM9). Also called: Hereditary myopathy with early respiratory failure; MYOPATHY, PROXIMAL, WITH EARLY RESPIRATORY MUSCLE INVOLVEMENT; EDSTROM MYOPATHY; Myopathy, distal, with early respiratory failure, autosomal dominant. Identifiers: Orphanet 178464, Orphanet 34521, MedGen C1863599, MONDO:0011362, OMIM 603689.

Allele frequency attached by ClinVar (database versions not stated): TOPMed 0.00015; ESP Exome Variant Server 0.00031.
gnomAD v4.1: 399 of 1,613,952 alleles (0.025%); highest among the groups gnomAD compares: Middle Eastern, 0.033%; no homozygotes.

Submissions (17):

CeGaT Center for Human Genetics Tuebingen
Classification: Likely benign. Last evaluated: 2026-04-01. Review status: criteria provided, single submitter. Criteria: CeGaT Center For Human Genetics Tuebingen Variant Classification Criteria Version 2. Collection method: clinical testing. Allele origin: germline. Affected: yes. Observed: 1 variant allele.
Comment: TTN: BP4

PreventionGenetics, part of Exact Sciences
Classification: Likely benign for TTN-related condition. Last evaluated: 2025-10-21. Review status: criteria provided, single submitter. Criteria: ACMG Guidelines, 2015. Collection method: clinical testing. Allele origin: germline.
Comment: This variant is classified as likely benign based on ACMG/AMP sequence variant interpretation guidelines (Richards et al. 2015 PMID: 25741868, with internal and published modifications).

Clinical Genomics Laboratory, Washington University in St. Louis
Classification: Uncertain significance for Dilated cardiomyopathy 1G; Hypertrophic cardiomyopathy 9. Last evaluated: 2025-04-09. Review status: criteria provided, single submitter. Criteria: ACMG Guidelines, 2015. Collection method: clinical testing. Allele origin: germline.
Comment: The TTN c.1398+4C>T variant has been reported in one individual with hypertrophic cardiomyopathy who also harbored a pathogenic variant in MYH7 (Lopes LR et al., PMID: 23396983). This variant is only observed on 47/282,636 alleles in the general population (gnomAD v2.1.1), indicating it is not a common variant. Computational predictors indicate that the variant has no impact on splicing, evidence that this variant does not have a damaging effect on TTN function. This variant has been reported in the ClinVar database as a germline variant of uncertain significance by five submitters, a likely benign variant by four submitters, and a benign variant by two submitters (ClinVar Variation ID: 166351). Due to limited information, and based on ACMG/AMP guidelines for variant interpretation (Richards S et al., PMID: 25741868), the clinical significance of this variant is uncertain at this time.

Molecular Diagnostic Laboratory for Inherited Cardiovascular Disease, Montreal Heart Institute
Classification: Uncertain significance for Cardiovascular phenotype. Last evaluated: 2025-04-09. Review status: criteria provided, single submitter. Criteria: ACMG Guidelines, 2015. Collection method: clinical testing. Allele origin: germline. Affected: yes.

Mayo Clinic Laboratories, Mayo Clinic
Classification: Likely benign. Last evaluated: 2025-02-05. Review status: criteria provided, single submitter. Criteria: ACMG Guidelines, 2015. Collection method: clinical testing. Allele origin: germline. Observed: 2 variant alleles.
Comment: BP4, BP7

Blueprint Genetics
Classification: Likely benign. Last evaluated: 2024-11-06. Review status: criteria provided, single submitter. Criteria: ACMG Guidelines, 2015. Collection method: clinical testing. Allele origin: germline.

CHEO Genetics Diagnostic Laboratory, Children's Hospital of Eastern Ontario
Classification: Likely benign for Cardiomyopathy. Last evaluated: 2021-08-11. Review status: criteria provided, single submitter. Criteria: ACMG Guidelines, 2015. Collection method: clinical testing. Allele origin: germline.

Women's Health and Genetics/Laboratory Corporation of America, LabCorp
Classification: Uncertain significance. Last evaluated: 2021-04-20. Review status: criteria provided, single submitter. Criteria: LabCorp Variant Classification Summary - May 2015. Collection method: clinical testing. Allele origin: germline.
Comment: Variant summary: TTN c.1398+4C>T alters a non-conserved nucleotide located close to a canonical splice site and therefore could affect mRNA splicing, leading to a significantly altered protein sequence. 4/4 computational tools predict no significant impact on normal splicing. However, these predictions have yet to be confirmed by functional studies. The variant allele was found at a frequency of 0.00017 in 251238 control chromosomes, predominantly at a frequency of 0.00032 within the Non-Finnish European subpopulation in the gnomAD database. This frequency is not significantly higher than expected for a pathogenic variant in TTN causing Dilated Cardiomyopathy (0.00017 vs 0.00039), allowing no conclusion about variant significance. c.1398+4C>T has been reported in the literature in an individual affected with hypertrophic Cardiomyopathy (Lopes_2013) who also carried a pathogenic variant in MYH7 (MYH7 c.2167C>T, p.Arg723Cys). This report therefore, does not provide unequivocal conclusions about association of the variant with Dilated Cardiomyopathy. To our knowledge, no experimental evidence demonstrating an impact on protein function has been reported. Five ClinVar submitters (evaluation after 2014) cite the variant likely benign/benign (n=3) or uncertain significance (n=2). Based on the evidence outlined above, the variant was classified as uncertain significance.

GeneDx
Classification: Likely benign. Last evaluated: 2021-03-02. Review status: criteria provided, single submitter. Criteria: GeneDx Variant Classification Process June 2021. Collection method: clinical testing. Allele origin: germline. Affected: yes.
Comment: This variant is associated with the following publications: (PMID: 23396983)

Ambry Genetics
Classification: Likely benign for Cardiovascular phenotype. Last evaluated: 2020-05-12. Review status: criteria provided, single submitter. Criteria: Ambry Variant Classification Scheme 2023. Collection method: clinical testing. Allele origin: germline.

Laboratory for Molecular Medicine, Mass General Brigham Personalized Medicine
Classification: Likely benign. Last evaluated: 2019-07-29. Review status: criteria provided, single submitter. Criteria: LMM Criteria. Collection method: clinical testing. Allele origin: germline. Observed: 1 variant allele.
Comment: proposed classification - variant undergoing re-assessment, contact laboratory

Eurofins Ntd Llc (ga)
Classification: Uncertain significance. Last evaluated: 2018-08-23. Review status: criteria provided, single submitter. Criteria: EGL ClinVar v180209 classification definitions. Collection method: clinical testing. Allele origin: germline. Observed: 5 variant alleles, 5 heterozygotes.

Illumina Laboratory Services, Illumina
Classification: Benign for Myopathy, myofibrillar, 9, with early respiratory failure. Last evaluated: 2018-01-13. Review status: criteria provided, single submitter. Criteria: ICSL Variant Classification Criteria 13 December 2019. Collection method: clinical testing. Allele origin: germline.
Comment: This variant was observed in the ICSL laboratory as part of a predisposition screen in an ostensibly healthy population. It had not been previously curated by ICSL or reported in the Human Gene Mutation Database (HGMD: prior to June 1st, 2018), and was therefore a candidate for classification through an automated scoring system. Utilizing variant allele frequency, disease prevalence and penetrance estimates, and inheritance mode, an automated score was calculated to assess if this variant is too frequent to cause the disease. Based on the score and internal cut-off values, a variant classified as benign is not then subjected to further curation. The score for this variant resulted in a classification of benign for this disease.

Illumina Laboratory Services, Illumina
Classification: Uncertain significance for Autosomal recessive limb-girdle muscular dystrophy type 2J. Last evaluated: 2018-01-13. Review status: criteria provided, single submitter. Criteria: ICSL Variant Classification Criteria 13 December 2019. Collection method: clinical testing. Allele origin: germline.

Illumina Laboratory Services, Illumina
Classification: Uncertain significance for Dilated cardiomyopathy 1G. Last evaluated: 2018-01-13. Review status: criteria provided, single submitter. Criteria: ICSL Variant Classification Criteria 13 December 2019. Collection method: clinical testing. Allele origin: germline.

Illumina Laboratory Services, Illumina
Classification: Benign for Tibial muscular dystrophy. Last evaluated: 2018-01-13. Review status: criteria provided, single submitter. Criteria: ICSL Variant Classification Criteria 13 December 2019. Collection method: clinical testing. Allele origin: germline.
Comment: the same text as in the submission from Illumina Laboratory Services, Illumina above.

Illumina Laboratory Services, Illumina
Classification: Uncertain significance for Early-onset myopathy with fatal cardiomyopathy. Last evaluated: 2018-01-13. Review status: criteria provided, single submitter. Criteria: ICSL Variant Classification Criteria 13 December 2019. Collection method: clinical testing. Allele origin: germline.

Literature cited by the submitters: PubMed 23396983 (cited by 4 submitters).

NM_001267550.2(TTN):c.1398+4C>T

Gene: TTN (titin; minus strand). Cytogenetic location: 2q31.2.
Variant type: single nucleotide variant.
Coding change: c.1398+4C>T on transcript NM_001267550.2 (MANE Select); 4 bases into the intron after coding-DNA position 1398, C replaced by T.
Molecular consequence: intron variant.
Genome position (GRCh38, 1-based): chr2:178,794,395, G>A on the plus strand (C>T on the coding strand, the complement: TTN is on the minus strand). VCF-style: chr2-178794395-G-A. GRCh37 (hg19) VCF-style: chr2-179659122-G-A.
Other names: p.?; c.1398+4C>T (NM_003319.4, NM_133437.4, NM_133432.3 and 3 more transcripts).
Identifiers: ClinVar variation 166351 (VCV000166351.27), dbSNP rs368548209, ClinGen allele CA179423.